The following is an entry in ClinVar:

ClinVar aggregate classification (germline): Pathogenic. Review status: no assertion criteria provided (0 of 4 stars). 2 submissions from 2 submitters: Pathogenic (2). Last evaluated 2018-06-14.

Conditions:
Atrial septal defect 1 (ASD1). Identifiers: Orphanet 1478, MedGen C1862389, MONDO:0007172, OMIM 108800.
Holt-Oram syndrome (HOS). Also called: Ventriculo-radial syndrome; Cardiac-limb syndrome; Heart-hand syndrome, type 1; TBX5-Related Holt-Oram Syndrome. Identifiers: Orphanet 392, MedGen C0265264, MONDO:0007732, OMIM 142900.

Submissions (2):

Centre de Biologie Pathologie Génétique, Centre Hospitalier Universitaire de Lille
Classification: Pathogenic for Holt-Oram syndrome. Last evaluated: 2018-06-14. Review status: no assertion criteria provided. Collection method: clinical testing. Allele origin: paternal. Affected: yes.

School of Life Sciences, Manipal University
Classification: Pathogenic for Atrial septal defect 1. Last evaluated: 2016-04-25. Review status: no assertion criteria provided. Collection method: research. Allele origin: maternal. Inheritance: Autosomal dominant inheritance with maternal imprinting. Affected: yes. Observed: 3 variant alleles, 3 heterozygotes. Clinical features observed: Atrial septal defect, Ventricular septal defect.
Comment: The mutation has been observed in a family in the 3 females.

NM_181486.4(TBX5):c.444G>A (p.Trp148Ter)

Gene: TBX5 (T-box transcription factor 5; minus strand). Cytogenetic location: 12q24.21.
Variant type: single nucleotide variant.
Coding change: c.444G>A on transcript NM_181486.4 (MANE Select); coding-DNA position 444, G replaced by A.
Protein change: p.Trp148Ter; replaces tryptophan 148 with a stop codon.
Molecular consequence: nonsense.
Genome position (GRCh38, 1-based): chr12:114,398,639, C>T on the plus strand (G>A on the coding strand, the complement: TBX5 is on the minus strand). VCF-style: chr12-114398639-C-T. GRCh37 (hg19) VCF-style: chr12-114836444-C-T.
Other names: c.444G>A, p.Trp148Ter (NM_000192.3); c.294G>A, p.Trp98Ter (NM_080717.4); short protein forms W148*, W98*.
Identifiers: ClinVar variation 235885 (VCV000235885.3), dbSNP rs1555226315, ClinGen allele CA386862088.
Genomic context (GRCh38, chr12:114,398,639, plus strand): 5'-AAATGGGTCCAGGTGGTTGTTGGTGAGCTTGAGTTTCTGGAAGGAGACGAGCTGCCTCAT[C>T]CAATGCGCCCCGGTGGCGGGGGAGTCTGGGTGCACGTACAGGCGGCCAGGCATGGCGGGC-3'